The following is an entry in ClinVar:

NM_144508.5(KNL1):c.1076del (p.Gly359fs)

Gene: KNL1 (kinetochore scaffold 1; plus strand). Cytogenetic location: 15q15.1.
Variant type: Deletion.
Coding change: c.1076del on transcript NM_144508.5 (MANE Select); coding-DNA position 1076, one base deleted (G; older notation c.1076delG).
Protein change: p.Gly359fs; shifts the reading frame from glycine 359.
Molecular consequence: frameshift variant.
Genome position (GRCh38, 1-based): chr15:40,621,340, G deleted; the last of 2 consecutive G bases (chr15:40,621,339-40,621,340); deleting either gives the same sequence. VCF-style (leftmost placement, unchanged base first): chr15-40621338-AG-A. GRCh37 (hg19) VCF-style: chr15-40913536-AG-A.
Other names: c.1154del, p.Gly385fs (NM_170589.5); c.1154delG (NM_170589.5); short protein forms G359fs, G385fs.
Identifiers: ClinVar variation 1690305 (VCV001690305.1), dbSNP rs2141719739, ClinGen allele CA2573150718.

ClinVar aggregate classification (germline): Pathogenic (1 of 4 stars; one submission).

Conditions:
Microcephaly 4, primary, autosomal recessive. Identifiers: Orphanet 2512, MedGen C1858516, MONDO:0011437, OMIM 604321.

Submission:

Laboratory of Human Genetics, Universidade de São Paulo
Classification: Pathogenic for Microcephaly 4, primary, autosomal recessive. Last evaluated: 2022-05-13. Review status: criteria provided, single submitter. Criteria: ACMG Guidelines, 2015. Collection method: research. Allele origin: maternal. Affected: yes. Observed: 2 variant alleles, 2 compound heterozygotes. Clinical features observed: Microcephaly (HP:0000252).
Comment: This variant meets our criteria to be classified as pathogenic based upon segregation studies, absence from controls, and in-silico evaluation of pathogenicity.